The following is an entry in ClinVar:

ClinVar aggregate classification (germline): Likely benign (1 of 4 stars; one submission).

Allele frequency attached by ClinVar (database versions not stated): ESP Exome Variant Server 0.00046; gnomAD 0.00062 and 0.00068; TOPMed 0.00068.
gnomAD v4.1: 183 of 1,613,706 alleles (0.011%); highest among the groups gnomAD compares: African/African-American, 0.21%; 1 homozygote.

Submission:

CeGaT Center for Human Genetics Tuebingen
Classification: Likely benign. Last evaluated: 2022-10-01. Review status: criteria provided, single submitter. Criteria: CeGaT Center For Human Genetics Tuebingen Variant Classification Criteria Version 2. Collection method: clinical testing. Allele origin: germline. Affected: yes. Observed: 1 variant allele.
Comment: DRD3: BP4, BP7

NM_000796.6(DRD3):c.129C>T (p.Ile43=)

Gene: DRD3 (dopamine receptor D3; minus strand). Cytogenetic location: 3q13.31.
Variant type: single nucleotide variant.
Coding change: c.129C>T on transcript NM_000796.6 (MANE Select); coding-DNA position 129, C replaced by T.
Protein change: p.Ile43=; no amino-acid change (isoleucine 43 retained).
Molecular consequence: synonymous variant.
Genome position (GRCh38, 1-based): chr3:114,171,864, G>A on the plus strand (C>T on the coding strand, the complement: DRD3 is on the minus strand). VCF-style: chr3-114171864-G-A. GRCh37 (hg19) VCF-style: chr3-113890711-G-A.
Other names: c.129C>T, p.Ile43= (NM_001282563.2, NM_001290809.1, NM_033663.6).
Identifiers: ClinVar variation 1013211 (VCV001013211.38), dbSNP rs143953030, ClinGen allele CA2550691.